The following is an entry in ClinVar:

ClinVar aggregate classification (germline): Likely pathogenic (1 of 4 stars; one submission).

Conditions:
Primary ciliary dyskinesia 28. Also called: CILIARY DYSKINESIA, PRIMARY, 28, WITH OR WITHOUT SITUS INVERSUS. Identifiers: Orphanet 244, MedGen C3809706, MONDO:0014216, OMIM 615505.

Submission:

Labcorp Genetics (formerly Invitae), Labcorp
Classification: Likely pathogenic for Primary ciliary dyskinesia 28. Last evaluated: 2023-04-10. Review status: criteria provided, single submitter. Criteria: Invitae Variant Classification Sherloc (09022015). Collection method: clinical testing. Allele origin: unknown.
Comment: In summary, the currently available evidence indicates that the variant is pathogenic, but additional data are needed to prove that conclusively. Therefore, this variant has been classified as Likely Pathogenic. This variant has not been reported in the literature in individuals affected with SPAG1-related conditions. This variant results in a copy number gain of the genomic region encompassing exon(s) 13-14 of the SPAG1 gene. While the exact position of this variant cannot be determined from the data, sub-genic copy number gains are generally in tandem (PMID: 25640679). This variant is predicted to be out-of-frame, and may result in an absent or disrupted protein product. Loss-of-function variants in SPAG1 are known to be pathogenic (PMID: 24055112).

Literature cited by the submitters: PubMed 25640679; PubMed 24055112.

NC_000008.10:g.(?_101232487)_(101237587_?)dup

Gene: SPAG1 (sperm associated antigen 1; plus strand). Cytogenetic location: 8q22.2.
Variant type: Duplication.
Identifiers: ClinVar variation 3245530 (VCV003245530.1).